The following is an entry in ClinVar:

ClinVar aggregate classification (germline): Benign/Likely benign. Review status: criteria provided, multiple submitters, no conflicts (2 of 4 stars). 5 submissions from 5 submitters: Benign (2); Likely benign (2). 1 of the submissions does not count toward it. Last evaluated 2026-02-01.

Conditions:
PTPN23-related disorder. Also called: PTPN23-related condition.

Allele frequency attached by ClinVar (database versions not stated): gnomAD 0.00312 and 0.00291; TOPMed 0.00329; gnomAD exomes 0.00028 and 0.00070; ExAC 0.00098; 1000 Genomes Project 30x 0.00172; 1000 Genomes Project 0.00220; ESP Exome Variant Server 0.00272.
gnomAD v4.1: 874 of 1,606,898 alleles (0.054%); highest among the groups gnomAD compares: African/African-American, 1%; 5 homozygotes.

Submissions (5):

CeGaT Center for Human Genetics Tuebingen
Classification: Likely benign. Last evaluated: 2026-02-01. Review status: criteria provided, single submitter. Criteria: CeGaT Center For Human Genetics Tuebingen Variant Classification Criteria Version 2. Collection method: clinical testing. Allele origin: germline. Affected: yes. Observed: 3 variant alleles.
Comment: PTPN23: BP4, BP7, BS1

Labcorp Genetics (formerly Invitae), Labcorp
Classification: Benign. Last evaluated: 2026-01-27. Review status: criteria provided, single submitter. Criteria: Invitae Variant Classification Sherloc (09022015). Collection method: clinical testing. Allele origin: germline.

Blueprint Genetics
Classification: Likely benign. Last evaluated: 2024-09-23. Review status: criteria provided, single submitter. Criteria: ACMG Guidelines, 2015. Collection method: clinical testing. Allele origin: germline.

Breakthrough Genomics
Classification: Benign. Review status: criteria provided, single submitter. Criteria: ACMG Guidelines, 2015. Collection method: not provided. Allele origin: germline. Inheritance: Autosomal recessive inheritance. Affected: yes.

PreventionGenetics, part of Exact Sciences
Classification: Benign for PTPN23-related condition. Last evaluated: 2019-10-28. Review status: no assertion criteria provided. Collection method: clinical testing. Allele origin: germline. Not counted in ClinVar's aggregate classification.
Comment: This variant is classified as benign based on ACMG/AMP sequence variant interpretation guidelines (Richards et al. 2015 PMID: 25741868, with internal and published modifications).

NM_015466.4(PTPN23):c.3429C>T (p.Pro1143=)

Gene: PTPN23 (protein tyrosine phosphatase non-receptor type 23; plus strand). Cytogenetic location: 3p21.31.
Variant type: single nucleotide variant.
Coding change: c.3429C>T on transcript NM_015466.4 (MANE Select); coding-DNA position 3429, C replaced by T.
Protein change: p.Pro1143=; no amino-acid change (proline 1143 retained).
Molecular consequence: synonymous variant.
Genome position (GRCh38, 1-based): chr3:47,411,227, C>T. VCF-style: chr3-47411227-C-T. GRCh37 (hg19) VCF-style: chr3-47452717-C-T.
Other names: c.3429C>T (NM_015466.3); c.3051C>T, p.Pro1017= (NM_001304482.2).
Identifiers: ClinVar variation 1529193 (VCV001529193.34), dbSNP rs114781181, ClinGen allele CA2366278.